The following is an entry in ClinVar:

ClinVar aggregate classification (germline): Uncertain significance (1 of 4 stars; one submission).

Conditions:
Propionic acidemia (PROP). Also called: GLYCINEMIA, KETOTIC; HYPERGLYCINEMIA WITH KETOACIDOSIS AND LEUKOPENIA; KETOTIC HYPERGLYCINEMIA. Identifiers: Orphanet 35, MedGen C0268579, MONDO:0011628, OMIM 606054, HP:0003571.

Submission:

Neuberg Centre For Genomic Medicine, NCGM
Classification: Uncertain significance for Propionic acidemia. Last evaluated: 2023-06-22. Review status: criteria provided, single submitter. Criteria: ACMG Guidelines, 2015. Collection method: clinical testing. Allele origin: germline. Inheritance: Autosomal recessive inheritance. Affected: yes.
Comment: The observed splice region / intron variant c.1540+5G>A in PCCA gene has not been reported previously as a pathogenic variant nor as a benign variant, to our knowledge. The c.1540+5G>A variant is absent in gnomAD Exomes. This variant is predicted as Benign by SpliceAI Prediction. For these reasons, this variant has been classified as Uncertain Significance.

NM_000282.4(PCCA):c.1540+5G>A

Gene: PCCA (propionyl-CoA carboxylase subunit alpha; plus strand). Cytogenetic location: 13q32.3.
Variant type: single nucleotide variant.
Coding change: c.1540+5G>A on transcript NM_000282.4 (MANE Select); 5 bases into the intron after coding-DNA position 1540, G replaced by A.
Molecular consequence: intron variant.
Genome position (GRCh38, 1-based): chr13:100,330,676, G>A. VCF-style: chr13-100330676-G-A. GRCh37 (hg19) VCF-style: chr13-100982930-G-A.
Other names: c.1540+5G>A (NM_001178004.2, NM_001352605.2, NM_001352609.2); c.1396+5G>A (NM_001352606.2); c.595+5G>A (NM_001352610.2, NM_001352611.2); c.451+5G>A (NM_001352612.2); c.1462+5G>A (NM_001127692.3, NM_001352607.2); c.1318+5G>A (NM_001352608.2).
Identifiers: ClinVar variation 3391406 (VCV003391406.1).